The following is an entry in ClinVar:

NM_001374353.1(GLI2):c.3022T>G (p.Ser1008Ala)

Gene: GLI2 (GLI family zinc finger 2; plus strand). Cytogenetic location: 2q14.2.
Variant type: single nucleotide variant.
Coding change: c.3022T>G on transcript NM_001374353.1 (MANE Select); coding-DNA position 3022, T replaced by G.
Protein change: p.Ser1008Ala; replaces serine 1008 with alanine.
Molecular consequence: missense variant.
Genome position (GRCh38, 1-based): chr2:120,988,987, T>G. VCF-style: chr2-120988987-T-G. GRCh37 (hg19) VCF-style: chr2-121746563-T-G.
Other names: c.3073T>G, p.Ser1025Ala (NM_001371271.1, NM_005270.5); c.2647T>G, p.Ser883Ala (NM_001374354.1); short protein forms S1008A, S1025A, S883A.
Identifiers: ClinVar variation 3371614 (VCV003371614.1).

ClinVar aggregate classification (germline): Uncertain significance (1 of 4 stars; one submission).

Submission:

GeneDx
Classification: Uncertain significance. Last evaluated: 2024-04-16. Review status: criteria provided, single submitter. Criteria: GeneDx Variant Classification Process June 2021. Collection method: clinical testing. Allele origin: germline. Affected: yes.
Comment: Not observed at significant frequency in large population cohorts (gnomAD); In silico analysis indicates that this missense variant does not alter protein structure/function; Has not been previously published as pathogenic or benign to our knowledge